The following is an entry in ClinVar:

ClinVar aggregate classification (germline): Uncertain significance (1 of 4 stars; one submission).

gnomAD v4.1: 12 of 1,551,692 alleles (0.00077%); highest among the groups gnomAD compares: East Asian, 0.0024%; no homozygotes.

Submission:

Labcorp Genetics (formerly Invitae), Labcorp
Classification: Uncertain significance. Last evaluated: 2025-07-22. Review status: criteria provided, single submitter. Criteria: Invitae Variant Classification Sherloc (09022015). Collection method: clinical testing. Allele origin: germline.
Comment: This sequence change replaces arginine, which is basic and polar, with cysteine, which is neutral and slightly polar, at codon 919 of the WDR87 protein (p.Arg919Cys). This variant is present in population databases (no rsID available, gnomAD 0.009%). This variant has not been reported in the literature in individuals affected with WDR87-related conditions. An algorithm developed to predict the effect of missense changes on protein structure and function (PolyPhen-2) suggests that this variant is likely to be disruptive. In summary, the available evidence is currently insufficient to determine the role of this variant in disease. Therefore, it has been classified as a Variant of Uncertain Significance.

NM_001291088.2(WDR87):c.2872C>T (p.Arg958Cys)

Gene: WDR87 (WD repeat domain 87; minus strand). Cytogenetic location: 19q13.13.
Variant type: single nucleotide variant.
Coding change: c.2872C>T on transcript NM_001291088.2 (MANE Select); coding-DNA position 2872, C replaced by T.
Protein change: p.Arg958Cys; replaces arginine 958 with cysteine.
Molecular consequence: missense variant.
Genome position (GRCh38, 1-based): chr19:37,892,831, G>A on the plus strand (C>T on the coding strand, the complement: WDR87 is on the minus strand). VCF-style: chr19-37892831-G-A. GRCh37 (hg19) VCF-style: chr19-38383471-G-A.
Other names: c.2755C>T, p.Arg919Cys (NM_031951.5); short protein forms R958C, R919C.
Identifiers: ClinVar variation 4700835 (VCV004700835.1).